The following is an entry in ClinVar:

NM_182914.3(SYNE2):c.11702C>T (p.Ser3901Leu)

Gene: SYNE2 (spectrin repeat containing nuclear envelope protein 2; plus strand). Cytogenetic location: 14q23.2.
Variant type: single nucleotide variant.
Coding change: c.11702C>T on transcript NM_182914.3 (MANE Select); coding-DNA position 11702, C replaced by T.
Protein change: p.Ser3901Leu; replaces serine 3901 with leucine.
Molecular consequence: missense variant.
Genome position (GRCh38, 1-based): chr14:64,089,605, C>T. VCF-style: chr14-64089605-C-T. GRCh37 (hg19) VCF-style: chr14-64556323-C-T.
Other names: c.11702C>T, p.Ser3901Leu (NM_015180.6); c.11702C>T (NM_182914.2); short protein forms S3901L.
Identifiers: ClinVar variation 1010998 (VCV001010998.11), dbSNP rs1311942649, ClinGen allele CA389947567.

ClinVar aggregate classification (germline): Uncertain significance. Review status: criteria provided, multiple submitters, no conflicts (2 of 4 stars). 2 submissions from 2 submitters: Uncertain significance (2). Last evaluated 2025-10-02.

Conditions:
Emery-Dreifuss muscular dystrophy 5, autosomal dominant (EDMD5). Also called: EMERY-DREIFUSS MUSCULAR DYSTROPHY 5. Identifiers: Orphanet 261, MedGen C2751805, MONDO:0013072, OMIM 612999.

Allele frequency attached by ClinVar (database versions not stated): gnomAD exomes below 0.00001; gnomAD 0.00001.
gnomAD v4.1: 2 of 1,609,960 alleles (0.00012%); highest among the groups gnomAD compares: Non-Finnish European, 0.00017%; no homozygotes.

Submissions (2):

Labcorp Genetics (formerly Invitae), Labcorp
Classification: Uncertain significance for Emery-Dreifuss muscular dystrophy 5, autosomal dominant. Last evaluated: 2025-10-02. Review status: criteria provided, single submitter. Criteria: Invitae Variant Classification Sherloc (09022015). Collection method: clinical testing. Allele origin: germline.
Comment: This sequence change replaces serine, which is neutral and polar, with leucine, which is neutral and non-polar, at codon 3901 of the SYNE2 protein (p.Ser3901Leu). The frequency data for this variant in the population databases is considered unreliable, as metrics indicate poor data quality at this position in the gnomAD database. This variant has not been reported in the literature in individuals affected with SYNE2-related conditions. ClinVar contains an entry for this variant (Variation ID: 1010998). An algorithm developed to predict the effect of missense changes on protein structure and function outputs the following: PolyPhen-2: "Benign". The leucine amino acid residue is found in multiple mammalian species, which suggests that this missense change does not adversely affect protein function. In summary, the available evidence is currently insufficient to determine the role of this variant in disease. Therefore, it has been classified as a Variant of Uncertain Significance.

Revvity Omics, Revvity
Classification: Uncertain significance for Emery-Dreifuss muscular dystrophy 5, autosomal dominant. Last evaluated: 2019-06-27. Review status: criteria provided, single submitter. Criteria: ACMG Guidelines, 2015. Collection method: clinical testing. Allele origin: germline.